The following is an entry in ClinVar:

NM_000553.6(WRN):c.3814C>T (p.Pro1272Ser)

Gene: WRN (WRN RecQ like helicase; plus strand). Cytogenetic location: 8p12.
Variant type: single nucleotide variant.
Coding change: c.3814C>T on transcript NM_000553.6 (MANE Select); coding-DNA position 3814, C replaced by T.
Protein change: p.Pro1272Ser; replaces proline 1272 with serine.
Molecular consequence: missense variant.
Genome position (GRCh38, 1-based): chr8:31,154,750, C>T. VCF-style: chr8-31154750-C-T. GRCh37 (hg19) VCF-style: chr8-31012266-C-T.
Other names: short protein forms P1272S.
Identifiers: ClinVar variation 528101 (VCV000528101.6), dbSNP rs776989868, ClinGen allele CA370929248.

ClinVar aggregate classification (germline): Uncertain significance. Review status: criteria provided, multiple submitters, no conflicts (2 of 4 stars). 2 submissions from 2 submitters: Uncertain significance (2). Last evaluated 2022-09-25.

Conditions:
Werner syndrome (WRN). Identifiers: Orphanet 902, MedGen C0043119, MONDO:0010196, OMIM 277700.

gnomAD v4.1: 1 of 1,613,300 alleles (0.000062%); highest among the groups gnomAD compares: Non-Finnish European, 0.000085%; no homozygotes.

Submissions (2):

Labcorp Genetics (formerly Invitae), Labcorp
Classification: Uncertain significance for Werner syndrome. Last evaluated: 2022-09-25. Review status: criteria provided, single submitter. Criteria: Invitae Variant Classification Sherloc (09022015). Collection method: clinical testing. Allele origin: germline.
Comment: This variant is not present in population databases (gnomAD no frequency). This variant has not been reported in the literature in individuals affected with WRN-related conditions. ClinVar contains an entry for this variant (Variation ID: 528101). Algorithms developed to predict the effect of missense changes on protein structure and function output the following: SIFT: "Not Available"; PolyPhen-2: "Benign"; Align-GVGD: "Not Available". The serine amino acid residue is found in multiple mammalian species, which suggests that this missense change does not adversely affect protein function. In summary, the available evidence is currently insufficient to determine the role of this variant in disease. Therefore, it has been classified as a Variant of Uncertain Significance. This sequence change replaces proline, which is neutral and non-polar, with serine, which is neutral and polar, at codon 1272 of the WRN protein (p.Pro1272Ser).

Fulgent Genetics
Classification: Uncertain significance for Werner syndrome. Last evaluated: 2021-09-20. Review status: criteria provided, single submitter. Criteria: ACMG Guidelines, 2015. Collection method: clinical testing. Allele origin: unknown.